The following is an entry in ClinVar:

NM_000051.4(ATM):c.1235+10_1235+28del

Gene: ATM (ATM serine/threonine kinase; plus strand). Cytogenetic location: 11q22.3.
Variant type: Deletion.
Coding change: c.1235+10_1235+28del on transcript NM_000051.4 (MANE Select); bases 10 to 28 of the intron after coding-DNA position 1235, 19 bases deleted (TACCATTTTCTCATTCAGT).
Molecular consequence: intron variant.
Genome position (GRCh38, 1-based): chr11:108,249,112-108,249,130, TACCATTTTCTCATTCAGT deleted; deleting any 19 consecutive bases within chr11:108,249,110-108,249,130 gives the same sequence; the c. name uses the placement nearest the transcript's 3' end. VCF-style (leftmost placement, unchanged base first): chr11-108249109-TGTTACCATTTTCTCATTCA-T. GRCh37 (hg19) VCF-style: chr11-108119836-TGTTACCATTTTCTCATTCA-T.
Other names: c.1235+10_1235+28delTACCATTTTCTCATTCAGT (NM_000051.3); c.1235+10_1235+28del (NM_001351834.2).
Identifiers: ClinVar variation 755279 (VCV000755279.9), dbSNP rs1591518436, ClinGen allele CA915948338.

ClinVar aggregate classification (germline): Likely benign. Review status: criteria provided, multiple submitters, no conflicts (2 of 4 stars). 2 submissions from 2 submitters: Likely benign (2). Last evaluated 2024-04-25.

Conditions:
Familial cancer of breast. Also called: BREAST CANCER, FAMILIAL; hereditary breast carcinoma; Hereditary breast cancer. Identifiers: Orphanet 227535, MedGen C0346153, MONDO:0016419, OMIM 114480. Disease mechanism: loss of function.
Ataxia-telangiectasia syndrome (AT). Also called: Ataxia-telangiectasia; AT, COMPLEMENTATION GROUP C; LOUIS-BAR SYNDROME; Ataxia telangiectasia (A-T); Cerebello-oculocutaneous telangiectasia; Immunodeficiency with ataxia telangiectasia. Identifiers: Orphanet 100, MedGen C0004135, MONDO:0008840, OMIM 208900.

Submissions (2):

Myriad Genetics, Inc.
Classification: Likely benign for Familial cancer of breast. Last evaluated: 2024-04-25. Review status: criteria provided, single submitter. Criteria: Myriad Autosomal Dominant, Autosomal Recessive and X-Linked Classification Criteria (2023). Collection method: clinical testing. Allele origin: unknown.
Comment: This variant is considered likely benign. This variant is intronic and is not expected to impact mRNA splicing.

Labcorp Genetics (formerly Invitae), Labcorp
Classification: Likely benign for Ataxia-telangiectasia syndrome. Last evaluated: 2024-02-16. Review status: criteria provided, single submitter. Criteria: Invitae Variant Classification Sherloc (09022015). Collection method: clinical testing. Allele origin: germline.